The following is an entry in ClinVar:

ClinVar aggregate classification (germline): Uncertain significance. Review status: criteria provided, multiple submitters, no conflicts (2 of 4 stars). 2 submissions from 2 submitters: Uncertain significance (2). Last evaluated 2026-02-12.

Conditions:
Inborn genetic diseases. Identifiers: MedGen C0950123, MeSH D030342.

Submissions (2):

GeneDx
Classification: Uncertain significance. Last evaluated: 2026-02-12. Review status: criteria provided, single submitter. Criteria: GeneDx Variant Classification Process June 2021. Collection method: clinical testing. Allele origin: germline.
Comment: Not observed at significant frequency in large population cohorts (gnomAD); In-frame deletion of 1 amino acid(s) in a non-repeat region; In silico analysis suggests that this variant does not alter protein structure/function; Has not been previously published as pathogenic or benign to our knowledge

Ambry Genetics
Classification: Uncertain significance for Inborn genetic diseases. Last evaluated: 2025-09-19. Review status: criteria provided, single submitter. Criteria: Ambry Variant Classification Scheme 2023. Collection method: clinical testing. Allele origin: germline.
Comment: The c.2413_2415delGAA (p.E805del) alteration is located in exon 9 (coding exon 7) of the ANKRD11 gene. This alteration consists of an in-frame deletion of 3 nucleotides between nucleotide positions c.2413 and c.2415, resulting in the deletion of 1 residue. This variant was not reported in population-based cohorts in the Genome Aggregation Database (gnomAD). Based on insufficient or conflicting evidence, the clinical significance of this alteration remains unclear.

NM_013275.6(ANKRD11):c.2413_2415del (p.Glu805del)

Gene: ANKRD11 (ankyrin repeat domain 11; minus strand). Cytogenetic location: 16q24.3.
Variant type: Deletion.
Coding change: c.2413_2415del on transcript NM_013275.6 (MANE Select); coding-DNA positions 2413 to 2415, 3 bases deleted (GAA; older notation c.2413_2415delGAA).
Protein change: p.Glu805del; deletes glutamic acid 805.
Molecular consequence: inframe deletion.
Genome position (GRCh38, 1-based): chr16:89,284,127-89,284,129, TTC deleted on the plus strand (GAA on the coding strand, the reverse complement: ANKRD11 is on the minus strand); deleting any 3 consecutive bases within chr16:89,284,127-89,284,131 gives the same sequence; the c. name uses the placement nearest the transcript's 3' end. VCF-style (leftmost placement, unchanged base first): chr16-89284126-TTTC-T. GRCh37 (hg19) VCF-style: chr16-89350534-TTTC-T.
Other names: c.2413_2415del (NM_013275.5); c.2413_2415del, p.Glu805del (NM_001256182.2, NM_001256183.2); short protein forms E805del.
Identifiers: ClinVar variation 4578070 (VCV004578070.2).